The following is an entry in ClinVar:

NM_000059.4(BRCA2):c.9691T>C (p.Ser3231Pro)

Gene: BRCA2 (BRCA2 DNA repair associated; plus strand). Cytogenetic location: 13q13.1.
Variant type: single nucleotide variant.
Coding change: c.9691T>C on transcript NM_000059.4 (MANE Select); coding-DNA position 9691, T replaced by C.
Protein change: p.Ser3231Pro; replaces serine 3231 with proline.
Molecular consequence: missense variant.
Genome position (GRCh38, 1-based): chr13:32,398,204, T>C. VCF-style: chr13-32398204-T-C. GRCh37 (hg19) VCF-style: chr13-32972341-T-C.
Other names: short protein forms S3231P.
Identifiers: ClinVar variation 627853 (VCV000627853.14), dbSNP rs1566260824, ClinGen allele CA387765309.

ClinVar aggregate classification (germline): Uncertain significance. Review status: criteria provided, multiple submitters, no conflicts (2 of 4 stars). 3 submissions from 3 submitters: Uncertain significance (3). Last evaluated 2024-03-06.

Conditions:
Hereditary cancer-predisposing syndrome. Also called: Tumor predisposition; Hereditary Cancer Syndrome; Neoplastic Syndromes, Hereditary; Hereditary neoplastic syndrome. Identifiers: Orphanet 140162, MedGen C0027672, MeSH D009386, MONDO:0015356.
Hereditary breast ovarian cancer syndrome. Also called: BRCA1- and BRCA2-Associated Hereditary Breast and Ovarian Cancer; Hereditary breast and ovarian cancer syndrome; Hereditary breast and ovarian cancer; Hereditary breast and ovarian cancer syndrome (HBOC); Hereditary breast and/or ovarian cancer syndrome; Breast and ovarian cancer. Identifiers: Orphanet 145, MedGen C0677776, MeSH D061325, MONDO:0003582. Disease mechanism: loss of function.

Submissions (3):

Color Diagnostics, LLC DBA Color Health
Classification: Uncertain significance for Hereditary cancer-predisposing syndrome. Last evaluated: 2024-03-06. Review status: criteria provided, single submitter. Criteria: ACMG Guidelines, 2015. Collection method: clinical testing. Allele origin: germline.
Comment: This missense variant replaces serine with proline at codon 3231 of the BRCA2 protein. Computational prediction suggests that this variant may not impact protein structure and function (internally defined REVEL score threshold <= 0.5, PMID: 27666373). To our knowledge, functional studies have not been reported for this variant. This variant has not been reported in individuals affected with hereditary cancer in the literature. This variant has not been identified in the general population by the Genome Aggregation Database (gnomAD). The available evidence is insufficient to determine the role of this variant in disease conclusively. Therefore, this variant is classified as a Variant of Uncertain Significance.

Labcorp Genetics (formerly Invitae), Labcorp
Classification: Uncertain significance for Hereditary breast ovarian cancer syndrome. Last evaluated: 2022-06-03. Review status: criteria provided, single submitter. Criteria: Invitae Variant Classification Sherloc (09022015). Collection method: clinical testing. Allele origin: germline.
Comment: In summary, the available evidence is currently insufficient to determine the role of this variant in disease. Therefore, it has been classified as a Variant of Uncertain Significance. Advanced modeling of protein sequence and biophysical properties (such as structural, functional, and spatial information, amino acid conservation, physicochemical variation, residue mobility, and thermodynamic stability) performed at Invitae indicates that this missense variant is not expected to disrupt BRCA2 protein function. ClinVar contains an entry for this variant (Variation ID: 627853). This variant has not been reported in the literature in individuals affected with BRCA2-related conditions. This variant is not present in population databases (gnomAD no frequency). This sequence change replaces serine, which is neutral and polar, with proline, which is neutral and non-polar, at codon 3231 of the BRCA2 protein (p.Ser3231Pro).

Ambry Genetics
Classification: Uncertain significance for Hereditary cancer-predisposing syndrome. Last evaluated: 2018-02-28. Review status: criteria provided, single submitter. Criteria: Ambry Variant Classification Scheme 2023. Collection method: clinical testing. Allele origin: germline.
Comment: The p.S3231P variant (also known as c.9691T>C), located in coding exon 26 of the BRCA2 gene, results from a T to C substitution at nucleotide position 9691. The serine at codon 3231 is replaced by proline, an amino acid with similar properties. This amino acid position is not well conserved in available vertebrate species. In addition, this alteration is predicted to be tolerated by in silico analysis. Since supporting evidence is limited at this time, the clinical significance of this alteration remains unclear.